The following is an entry in ClinVar:

NM_004304.5(ALK):c.3439G>C (p.Val1147Leu)

Gene: ALK (ALK receptor tyrosine kinase; minus strand). Cytogenetic location: 2p23.2.
Variant type: single nucleotide variant.
Coding change: c.3439G>C on transcript NM_004304.5 (MANE Select); coding-DNA position 3439, G replaced by C.
Protein change: p.Val1147Leu; replaces valine 1147 with leucine.
Molecular consequence: missense variant.
Genome position (GRCh38, 1-based): chr2:29,222,528, C>G on the plus strand (G>C on the coding strand, the complement: ALK is on the minus strand). VCF-style: chr2-29222528-C-G. GRCh37 (hg19) VCF-style: chr2-29445394-C-G.
Other names: c.235G>C, p.Val79Leu (NM_001353765.2); short protein forms V1147L, V79L.
Identifiers: ClinVar variation 961168 (VCV000961168.11), dbSNP rs1378239568, ClinGen allele CA346463612.
Genomic context (GRCh38, chr2:29,222,528, plus strand): 5'-TACAGAGTCCGCAAGCCAAGGGCAGGCTCAAGAGTGAGCCACTTCTTACCTTCACAGCCA[C>G]TTGCAGGGGGCTTGGGTCGTTGGGCATTCCGGACACCTGGCCTTCATACACCTCCCCAAA-3'
Protein context (NP_004295.2, residues 1137-1157): GMPNDPSPLQ[Val1147Leu]AVKTLPEVCS

ClinVar aggregate classification (germline): Uncertain significance. Review status: criteria provided, multiple submitters, no conflicts (2 of 4 stars). 3 submissions from 3 submitters: Uncertain significance (3). Last evaluated 2025-03-21.

Conditions:
Neuroblastoma, susceptibility to, 3. Also called: ALK-Related Neuroblastic Tumor Susceptibility. Identifiers: Orphanet 635, MedGen C2751681, MONDO:0013083, OMIM 613014.
Hereditary cancer-predisposing syndrome. Also called: Hereditary neoplastic syndrome; Tumor predisposition; Neoplastic Syndromes, Hereditary; Hereditary Cancer Syndrome. Identifiers: Orphanet 140162, MedGen C0027672, MeSH D009386, MONDO:0015356.

gnomAD v4.1: 1 of 1,614,142 alleles (0.000062%); highest among the groups gnomAD compares: Non-Finnish European, 0.000085%; no homozygotes.

Submissions (3):

Ambry Genetics
Classification: Uncertain significance for Hereditary cancer-predisposing syndrome. Last evaluated: 2025-03-21. Review status: criteria provided, single submitter. Criteria: Ambry Variant Classification Scheme 2023. Collection method: clinical testing. Allele origin: germline.
Comment: The p.V1147L variant (also known as c.3439G>C), located in coding exon 21 of the ALK gene, results from a G to C substitution at nucleotide position 3439. The valine at codon 1147 is replaced by leucine, an amino acid with highly similar properties. This amino acid position is conserved. In addition, this alteration is predicted to be deleterious by in silico analysis. Based on the available evidence, the clinical significance of this variant remains unclear.

Labcorp Genetics (formerly Invitae), Labcorp
Classification: Uncertain significance for Neuroblastoma, susceptibility to, 3. Last evaluated: 2025-02-12. Review status: criteria provided, single submitter. Criteria: Invitae Variant Classification Sherloc (09022015). Collection method: clinical testing. Allele origin: germline.
Comment: This sequence change replaces valine, which is neutral and non-polar, with leucine, which is neutral and non-polar, at codon 1147 of the ALK protein (p.Val1147Leu). This variant is not present in population databases (gnomAD no frequency). This variant has not been reported in the literature in individuals affected with ALK-related conditions. ClinVar contains an entry for this variant (Variation ID: 961168). An algorithm developed to predict the effect of missense changes on protein structure and function (PolyPhen-2) suggests that this variant is likely to be disruptive. In summary, the available evidence is currently insufficient to determine the role of this variant in disease. Therefore, it has been classified as a Variant of Uncertain Significance.

GeneDx
Classification: Uncertain significance. Last evaluated: 2023-11-09. Review status: criteria provided, single submitter. Criteria: GeneDx Variant Classification Process June 2021. Collection method: clinical testing. Allele origin: germline. Affected: yes.
Comment: Not observed at significant frequency in large population cohorts (gnomAD); In silico analysis supports that this missense variant has a deleterious effect on protein structure/function; Has not been previously published as pathogenic or benign to our knowledge